The following is an entry in ClinVar:

NM_000516.7(GNAS):c.60T>G (p.Arg20=)

Gene: GNAS (GNAS complex locus; plus strand). Cytogenetic location: 20q13.32.
Variant type: single nucleotide variant.
Coding change: c.60T>G on transcript NM_000516.7 (MANE Select); coding-DNA position 60, T replaced by G.
Protein change: p.Arg20=; no amino-acid change (arginine 20 retained).
Molecular consequence: synonymous variant. On other transcripts: intron variant (6).
Genome position (GRCh38, 1-based): chr20:58,891,786, T>G. VCF-style: chr20-58891786-T-G. GRCh37 (hg19) VCF-style: chr20-57466841-T-G.
Other names: c.60T>G, p.Arg20= (NM_001077488.5, NM_001077489.4, NM_001309842.2 and 1 more transcripts); c.*43-3826T>G (NM_016592.5); c.-38-3826T>G (NM_001309861.2); c.*1-3826T>G (NM_001077490.3); c.2069-3826T>G (NM_080425.4); c.*159-3826T>G (NM_001309883.1); c.-39+2433T>G (NM_001309840.2).
Identifiers: ClinVar variation 715263 (VCV000715263.9), dbSNP rs1391764576, ClinGen allele CA511079809.

ClinVar aggregate classification (germline): Likely benign. Review status: criteria provided, single submitter (1 of 4 stars). 2 submissions from 2 submitters: Likely benign (1). 1 of the submissions does not count toward it. Last evaluated 2019-02-11.

Conditions:
GNAS-related disorder. Identifiers: MedGen CN380105.

Allele frequency attached by ClinVar (database versions not stated): gnomAD exomes below 0.00001.
gnomAD v4.1: 1 of 1,285,442 alleles (0.000078%); highest among the groups gnomAD compares: Admixed American, 0.0021%; no homozygotes.

Submissions (2):

Labcorp Genetics (formerly Invitae), Labcorp
Classification: Likely benign. Last evaluated: 2019-02-11. Review status: criteria provided, single submitter. Criteria: Invitae Variant Classification Sherloc (09022015). Collection method: clinical testing. Allele origin: germline.

PreventionGenetics, part of Exact Sciences
Classification: Likely benign for GNAS-related condition. Last evaluated: 2020-08-14. Review status: no assertion criteria provided. Collection method: clinical testing. Allele origin: germline. Not counted in ClinVar's aggregate classification.
Comment: This variant is classified as likely benign based on ACMG/AMP sequence variant interpretation guidelines (Richards et al. 2015 PMID: 25741868, with internal and published modifications).